The following is an entry in ClinVar:

ClinVar aggregate classification (germline): Uncertain significance (1 of 4 stars; one submission).

Conditions:
Hypertrophic cardiomyopathy 2. Also called: TNNT2-Related Familial Hypertrophic Cardiomyopathy. Identifiers: MedGen C1861864, MONDO:0007266, OMIM 115195.
Cardiomyopathy, familial restrictive, 3. Identifiers: Orphanet 75249, MedGen C2676271, MONDO:0012900, OMIM 612422.
Dilated cardiomyopathy 1D. Identifiers: Orphanet 154, Orphanet 54260, MedGen C1832243, MONDO:0011095, OMIM 601494.

Submission:

Labcorp Genetics (formerly Invitae), Labcorp
Classification: Uncertain significance for Cardiomyopathy, familial restrictive, 3; Hypertrophic cardiomyopathy 2; Dilated cardiomyopathy 1D. Last evaluated: 2024-10-03. Review status: criteria provided, single submitter. Criteria: Invitae Variant Classification Sherloc (09022015). Collection method: clinical testing. Allele origin: germline.
Comment: This sequence change replaces alanine, which is neutral and non-polar, with proline, which is neutral and non-polar, at codon 104 of the TNNT2 protein (p.Ala104Pro). This variant is not present in population databases (gnomAD no frequency). This variant has not been reported in the literature in individuals affected with TNNT2-related conditions. ClinVar contains an entry for this variant (Variation ID: 537253). Invitae Evidence Modeling of protein sequence and biophysical properties (such as structural, functional, and spatial information, amino acid conservation, physicochemical variation, residue mobility, and thermodynamic stability) indicates that this missense variant is not expected to disrupt TNNT2 protein function with a negative predictive value of 80%. This variant disrupts the p.Ala104 amino acid residue in TNNT2. Other variant(s) that disrupt this residue have been determined to be pathogenic (PMID: 2840870, 9140840, 23396983, 27532257). This suggests that this residue is clinically significant, and that variants that disrupt this residue are likely to be disease-causing. In summary, the available evidence is currently insufficient to determine the role of this variant in disease. Therefore, it has been classified as a Variant of Uncertain Significance.

Literature cited by the submitters: PubMed 2840870; PubMed 9140840; PubMed 23396983; PubMed 27532257.

NM_001276345.2(TNNT2):c.340G>C (p.Ala114Pro)

Gene: TNNT2 (troponin T2, cardiac type; minus strand). Cytogenetic location: 1q32.1.
Variant type: single nucleotide variant.
Coding change: c.340G>C on transcript NM_001276345.2 (MANE Select); coding-DNA position 340, G replaced by C.
Protein change: p.Ala114Pro; replaces alanine 114 with proline.
Molecular consequence: missense variant. On other transcripts: intron variant (1).
Genome position (GRCh38, 1-based): chr1:201,365,262, C>G on the plus strand (G>C on the coding strand, the complement: TNNT2 is on the minus strand). VCF-style: chr1-201365262-C-G. GRCh37 (hg19) VCF-style: chr1-201334390-C-G.
Other names: c.340G>C, p.Ala114Pro (NM_000364.4); c.310G>C, p.Ala104Pro (NM_001001430.3, NM_001001431.3, NM_001276347.2); c.295G>C, p.Ala99Pro (NM_001001432.3); c.291+348G>C (NM_001276346.2); short protein forms A114P, A104P, A99P.
Identifiers: ClinVar variation 537253 (VCV000537253.8), dbSNP rs1553282527, ClinGen allele CA344206435.